The following is an entry in ClinVar:

ClinVar aggregate classification (germline): Benign/Likely benign. Review status: criteria provided, multiple submitters, no conflicts (2 of 4 stars). 6 submissions from 6 submitters: Benign (1); Likely benign (2). 3 of the submissions do not count toward it. Last evaluated 2025-12-16.

Conditions:
QARS1-related disorder. Also called: QARS1-related condition.
Diffuse cerebral and cerebellar atrophy - intractable seizures - progressive microcephaly syndrome. Also called: Microcephaly, progressive, with seizures and cerebral and cerebellar atrophy. Identifiers: Orphanet 404437, MedGen C4014239, MONDO:0014335, OMIM 615760.

Allele frequency attached by ClinVar (database versions not stated): ESP Exome Variant Server 0.00023; TOPMed 0.00051; 1000 Genomes Project 30x 0.00078; gnomAD exomes 0.00079 and 0.00086; ExAC 0.00088; gnomAD 0.00098 and 0.00099; 1000 Genomes Project 0.00100.
gnomAD v4.1: 1,294 of 1,614,224 alleles (0.08%); highest among the groups gnomAD compares: Non-Finnish European, 0.079%; 2 homozygotes.

Submissions (6):

Labcorp Genetics (formerly Invitae), Labcorp
Classification: Benign for Diffuse cerebral and cerebellar atrophy - intractable seizures - progressive microcephaly syndrome. Last evaluated: 2025-12-16. Review status: criteria provided, single submitter. Criteria: Invitae Variant Classification Sherloc (09022015). Collection method: clinical testing. Allele origin: germline.

Blueprint Genetics
Classification: Likely benign. Last evaluated: 2024-11-25. Review status: criteria provided, single submitter. Criteria: ACMG Guidelines, 2015. Collection method: clinical testing. Allele origin: germline.

GeneDx
Classification: Likely benign. Last evaluated: 2018-07-09. Review status: criteria provided, single submitter. Criteria: GeneDx Variant Classification Process June 2021. Collection method: clinical testing. Allele origin: germline. Affected: yes.

PreventionGenetics, part of Exact Sciences
Classification: Likely benign for QARS1-related condition. Last evaluated: 2019-04-22. Review status: no assertion criteria provided. Collection method: clinical testing. Allele origin: germline. Not counted in ClinVar's aggregate classification.
Comment: This variant is classified as likely benign based on ACMG/AMP sequence variant interpretation guidelines (Richards et al. 2015 PMID: 25741868, with internal and published modifications).

Clinical Genetics DNA and cytogenetics Diagnostics Lab, Erasmus MC, Erasmus Medical Center
Classification: Likely benign. Review status: no assertion criteria provided. Collection method: clinical testing. Allele origin: germline. Affected: yes. Study: VKGL Data-share Consensus. Not counted in ClinVar's aggregate classification.

Genome Diagnostics Laboratory, University Medical Center Utrecht
Classification: Likely benign. Review status: no assertion criteria provided. Collection method: clinical testing. Allele origin: germline. Affected: yes. Study: VKGL Data-share Consensus. Not counted in ClinVar's aggregate classification.

NM_005051.3(QARS1):c.1055+10G>C

Gene: QARS1 (glutaminyl-tRNA synthetase 1; minus strand). Cytogenetic location: 3p21.31.
Variant type: single nucleotide variant.
Coding change: c.1055+10G>C on transcript NM_005051.3 (MANE Select); 10 bases into the intron after coding-DNA position 1055, G replaced by C.
Molecular consequence: intron variant.
Genome position (GRCh38, 1-based): chr3:49,100,370, C>G on the plus strand (G>C on the coding strand, the complement: QARS1 is on the minus strand). VCF-style: chr3-49100370-C-G. GRCh37 (hg19) VCF-style: chr3-49137803-C-G.
Other names: c.1022+10G>C (NM_001272073.2).
Identifiers: ClinVar variation 477824 (VCV000477824.14), dbSNP rs372899947, ClinGen allele CA2391905.